The following is an entry in ClinVar:

ClinVar aggregate classification (germline): Benign/Likely benign. Review status: criteria provided, multiple submitters, no conflicts (2 of 4 stars). 4 submissions from 4 submitters: Benign (1); Likely benign (3). Last evaluated 2025-11-17.

Conditions:
Hereditary cancer-predisposing syndrome. Also called: Neoplastic Syndromes, Hereditary; Hereditary Cancer Syndrome; Hereditary neoplastic syndrome; Tumor predisposition. Identifiers: Orphanet 140162, MedGen C0027672, MeSH D009386, MONDO:0015356.
Familial thoracic aortic aneurysm and aortic dissection (TAAD). Also called: Thoracic aortic aneurysms and dissections. Identifiers: Orphanet 91387, MedGen C4707243, MONDO:0019625.
Juvenile polyposis syndrome (JPS). Identifiers: Orphanet 2929, MedGen C0345893, MONDO:0017380, OMIM 174900.
Juvenile polyposis/hereditary hemorrhagic telangiectasia syndrome (JPHT). Also called: POLYPOSIS, GENERALIZED JUVENILE, WITH PULMONARY ARTERIOVENOUS MALFORMATION; TELANGIECTASIA, HEREDITARY HEMORRHAGIC, WITH JUVENILE POLYPOSIS COLI; Juvenile Polyposis Syndrome / Hereditary Hemorrhagic Telangiectasia (JPS/HHT); JP/HHT SYNDROME; JUVENILE POLYPOSIS WITH HEREDITARY HEMORRHAGIC TELANGIECTASIA. Identifiers: Orphanet 2929, MedGen C1832942, MONDO:0008278, OMIM 175050.

Allele frequency attached by ClinVar (database versions not stated): gnomAD exomes below 0.00001.
gnomAD v4.1: 3 of 1,613,816 alleles (0.00019%); highest among the groups gnomAD compares: Non-Finnish European, 0.00017%; no homozygotes.

Submissions (4):

Labcorp Genetics (formerly Invitae), Labcorp
Classification: Likely benign for Juvenile polyposis syndrome. Last evaluated: 2025-11-17. Review status: criteria provided, single submitter. Criteria: Invitae Variant Classification Sherloc (09022015). Collection method: clinical testing. Allele origin: germline.

Myriad Genetics, Inc.
Classification: Benign for Juvenile polyposis/hereditary hemorrhagic telangiectasia syndrome. Last evaluated: 2025-03-18. Review status: criteria provided, single submitter. Criteria: Myriad Autosomal Dominant, Autosomal Recessive and X-Linked Classification Criteria (2023). Collection method: clinical testing. Allele origin: unknown.
Comment: This variant is considered benign. This variant is a silent/synonymous amino acid change and it is not expected to impact splicing.

Color Diagnostics, LLC DBA Color Health
Classification: Likely benign for Hereditary cancer-predisposing syndrome. Last evaluated: 2021-09-07. Review status: criteria provided, single submitter. Criteria: ACMG Guidelines, 2015. Collection method: clinical testing. Allele origin: germline.

Ambry Genetics
Classification: Likely benign for Hereditary cancer-predisposing syndrome; Familial thoracic aortic aneurysm and aortic dissection. Last evaluated: 2020-08-07. Review status: criteria provided, single submitter. Criteria: Ambry Variant Classification Scheme 2023. Collection method: clinical testing. Allele origin: germline.

NM_005359.6(SMAD4):c.192T>C (p.Asn64=)

Gene: SMAD4 (SMAD family member 4; plus strand). Cytogenetic location: 18q21.2.
Variant type: single nucleotide variant.
Coding change: c.192T>C on transcript NM_005359.6 (MANE Select); coding-DNA position 192, T replaced by C.
Protein change: p.Asn64=; no amino-acid change (asparagine 64 retained).
Molecular consequence: synonymous variant.
Genome position (GRCh38, 1-based): chr18:51,047,238, T>C. VCF-style: chr18-51047238-T-C. GRCh37 (hg19) VCF-style: chr18-48573608-T-C.
Identifiers: ClinVar variation 460545 (VCV000460545.15), dbSNP rs1555685037, ClinGen allele CA503873482.